The following is an entry in ClinVar:

NM_014727.3(KMT2B):c.1631G>A (p.Arg544Gln)

Gene: KMT2B (lysine methyltransferase 2B; plus strand). Cytogenetic location: 19q13.12.
Variant type: single nucleotide variant.
Coding change: c.1631G>A on transcript NM_014727.3 (MANE Select); coding-DNA position 1631, G replaced by A.
Protein change: p.Arg544Gln; replaces arginine 544 with glutamine.
Molecular consequence: missense variant.
Genome position (GRCh38, 1-based): chr19:35,720,978, G>A. VCF-style: chr19-35720978-G-A. GRCh37 (hg19) VCF-style: chr19-36211880-G-A.
Other names: short protein forms R544Q.
Identifiers: ClinVar variation 4822295 (VCV004822295.4).

ClinVar aggregate classification (germline): Likely benign (1 of 4 stars; one submission).

gnomAD v4.1: 15 of 1,611,784 alleles (0.00093%); highest among the groups gnomAD compares: South Asian, 0.0033%; no homozygotes.

Submission:

CeGaT Center for Human Genetics Tuebingen
Classification: Likely benign. Last evaluated: 2026-03-01. Review status: criteria provided, single submitter. Criteria: CeGaT Center For Human Genetics Tuebingen Variant Classification Criteria Version 2. Collection method: clinical testing. Allele origin: germline. Affected: yes. Observed: 1 variant allele.
Comment: KMT2B: BP4